The following is an entry in ClinVar:

NM_138420.4(AHNAK2):c.9030C>T (p.Ala3010=)

Gene: AHNAK2 (AHNAK nucleoprotein 2; minus strand). Cytogenetic location: 14q32.33.
Variant type: single nucleotide variant.
Coding change: c.9030C>T on transcript NM_138420.4 (MANE Select); coding-DNA position 9030, C replaced by T.
Protein change: p.Ala3010=; no amino-acid change (alanine 3010 retained).
Molecular consequence: synonymous variant.
Genome position (GRCh38, 1-based): chr14:104,946,421, G>A on the plus strand (C>T on the coding strand, the complement: AHNAK2 is on the minus strand). VCF-style: chr14-104946421-G-A. GRCh37 (hg19) VCF-style: chr14-105412758-G-A.
Other names: c.8730C>T, p.Ala2910= (NM_001350929.2).
Identifiers: ClinVar variation 3234296 (VCV003234296.20), dbSNP rs568327538, ClinGen allele CA7379788.
Genomic context (GRCh38, chr14:104,946,421, plus strand): 5'-GGGCTCAATGCTGATGTCAGTGGTCTTCAGGTCCCCCTGCATGGAGGGGAGGCTCACTTC[G>A]GCCTCCACCTTCGGCGCAGACACATCCACCGAGACCTCAATGGACTTGCCTGGGGCAGAC-3'
Protein context (NP_612429.2, residues 3000-3020): SVDVSAPKVE[Ala3010=]EVSLPSMQGD

ClinVar aggregate classification (germline): Likely benign (1 of 4 stars; one submission).

Allele frequency attached by ClinVar (database versions not stated): 1000 Genomes Project 0.00020; gnomAD 0.00020; ExAC 0.00029; 1000 Genomes Project 30x 0.00031.
gnomAD v4.1: 297 of 1,611,452 alleles (0.018%); highest among the groups gnomAD compares: Middle Eastern, 0.05%; no homozygotes.

Submission:

CeGaT Center for Human Genetics Tuebingen
Classification: Likely benign. Last evaluated: 2024-04-01. Review status: criteria provided, single submitter. Criteria: CeGaT Center For Human Genetics Tuebingen Variant Classification Criteria Version 2. Collection method: clinical testing. Allele origin: germline. Affected: yes. Observed: 1 variant allele.
Comment: AHNAK2: BP4, BP7